The following is an entry in ClinVar:

NM_005708.5(GPC6):c.512G>A (p.Arg171Gln)

Genes: GPC6 (glypican 6; plus strand), GPC6-AS2 (GPC6 antisense RNA 2; minus strand). Cytogenetic location: 13q31.3.
Variant type: single nucleotide variant.
Coding change: c.512G>A on transcript NM_005708.5 (MANE Select); coding-DNA position 512, G replaced by A.
Protein change: p.Arg171Gln; replaces arginine 171 with glutamine.
Molecular consequence: missense variant.
Genome position (GRCh38, 1-based): chr13:93,830,346, G>A. VCF-style: chr13-93830346-G-A. GRCh37 (hg19) VCF-style: chr13-94482599-G-A.
Other names: short protein forms R171Q.
Identifiers: ClinVar variation 1515636 (VCV001515636.8), dbSNP rs1328802727, ClinGen allele CA388465471.

ClinVar aggregate classification (germline): Uncertain significance (1 of 4 stars; one submission).

Allele frequency attached by ClinVar (database versions not stated): gnomAD exomes below 0.00001; gnomAD 0.00001; TOPMed 0.00001.
gnomAD v4.1: 11 of 1,613,552 alleles (0.00068%); highest among the groups gnomAD compares: South Asian, 0.0011%; no homozygotes.

Submission:

Labcorp Genetics (formerly Invitae), Labcorp
Classification: Uncertain significance. Last evaluated: 2021-04-13. Review status: criteria provided, single submitter. Criteria: Invitae Variant Classification Sherloc (09022015). Collection method: clinical testing. Allele origin: germline.
Comment: Algorithms developed to predict the effect of missense changes on protein structure and function are either unavailable or do not agree on the potential impact of this missense change (SIFT: "Tolerated"; PolyPhen-2: "Probably Damaging"; Align-GVGD: "Class C0"). This variant has not been reported in the literature in individuals with GPC6-related conditions. This variant is not present in population databases (ExAC no frequency). This sequence change replaces arginine with glutamine at codon 171 of the GPC6 protein (p.Arg171Gln). The arginine residue is weakly conserved and there is a small physicochemical difference between arginine and glutamine. Algorithms developed to predict the effect of sequence changes on RNA splicing suggest that this variant may create or strengthen a splice site, but this prediction has not been confirmed by published transcriptional studies. In summary, the available evidence is currently insufficient to determine the role of this variant in disease. Therefore, it has been classified as a Variant of Uncertain Significance.